The following is an entry in ClinVar:

ClinVar aggregate classification (germline): Likely pathogenic (1 of 4 stars; one submission).

Submission:

Labcorp Genetics (formerly Invitae), Labcorp
Classification: Likely pathogenic. Last evaluated: 2023-11-08. Review status: criteria provided, single submitter. Criteria: Invitae Variant Classification Sherloc (09022015). Collection method: clinical testing. Allele origin: germline.
Comment: This sequence change affects a donor splice site in intron 8 of the GALNT3 gene. It is expected to disrupt RNA splicing. Variants that disrupt the donor or acceptor splice site typically lead to a loss of protein function (PMID: 16199547), and loss-of-function variants in GALNT3 are known to be pathogenic (PMID: 15133511, 20358599). This variant is not present in population databases (gnomAD no frequency). This variant has not been reported in the literature in individuals affected with GALNT3-related conditions. Algorithms developed to predict the effect of sequence changes on RNA splicing suggest that this variant may disrupt the consensus splice site. In summary, the currently available evidence indicates that the variant is pathogenic, but additional data are needed to prove that conclusively. Therefore, this variant has been classified as Likely Pathogenic.

Literature cited by the submitters: PubMed 16199547; PubMed 15133511; PubMed 20358599.

NM_004482.4(GALNT3):c.1524+2T>A

Gene: GALNT3 (polypeptide N-acetylgalactosaminyltransferase 3; minus strand). Cytogenetic location: 2q24.3.
Variant type: single nucleotide variant.
Coding change: c.1524+2T>A on transcript NM_004482.4 (MANE Select); the canonical splice donor site of the intron after coding-DNA position 1524, T replaced by A.
Molecular consequence: splice donor variant.
Genome position (GRCh38, 1-based): chr2:165,754,930, A>T on the plus strand (T>A on the coding strand, the complement: GALNT3 is on the minus strand). VCF-style: chr2-165754930-A-T. GRCh37 (hg19) VCF-style: chr2-166611440-A-T.
Identifiers: ClinVar variation 2694310 (VCV002694310.3), dbSNP rs1688419519, ClinGen allele CA349032571.